The following is an entry in ClinVar:

NM_001384900.1(SEMA3D):c.1369G>A (p.Val457Ile)

Gene: SEMA3D (semaphorin 3D; minus strand). Cytogenetic location: 7q21.11.
Variant type: single nucleotide variant.
Coding change: c.1369G>A on transcript NM_001384900.1 (MANE Select); coding-DNA position 1369, G replaced by A.
Protein change: p.Val457Ile; replaces valine 457 with isoleucine.
Molecular consequence: missense variant.
Genome position (GRCh38, 1-based): chr7:85,022,436, C>T on the plus strand (G>A on the coding strand, the complement: SEMA3D is on the minus strand). VCF-style: chr7-85022436-C-T. GRCh37 (hg19) VCF-style: chr7-84651752-C-T.
Other names: c.1369G>A, p.Val457Ile (NM_001384901.1, NM_001384902.1, NM_001384903.1 and 1 more transcripts); short protein forms V457I.
Identifiers: ClinVar variation 2635896 (VCV002635896.1), dbSNP rs142496795, ClinGen allele CA4323455.
Genomic context (GRCh38, chr7:85,022,436, plus strand): 5'-CTAGTTTTAGCTTACCTGTTCCAAGAAACATTACATCGTACTGGCCATCTTCTGCAATGA[C>T]ATGATCCACCACTATCTGTGTCAGTCTGTAATCCACATTGATTCTCTTGAACGTTGGTCC-3'
Protein context (NP_001371829.1, residues 447-467): YRLTQIVVDH[Val457Ile]IAEDGQYDVM

ClinVar aggregate classification (germline): Uncertain significance (1 of 4 stars; one submission).

Conditions:
SEMA3D-related disorder. Also called: SEMA3D-related condition.

Allele frequency attached by ClinVar (database versions not stated): gnomAD 0.00001; gnomAD exomes 0.00001; TOPMed 0.00001; ExAC 0.00002; ESP Exome Variant Server 0.00008.
gnomAD v4.1: 13 of 1,612,318 alleles (0.00081%); highest among the groups gnomAD compares: Non-Finnish European, 0.0011%; no homozygotes.

Submission:

PreventionGenetics, part of Exact Sciences
Classification: Uncertain significance for SEMA3D-related condition. Last evaluated: 2022-12-19. Review status: criteria provided, single submitter. Criteria: ACMG Guidelines, 2015. Collection method: clinical testing. Allele origin: germline.
Comment: The SEMA3D c.1369G>A variant is predicted to result in the amino acid substitution p.Val457Ile. This variant was reported in an individual with Hirschsprung disease and was predicted to decrease semaphorin protein stability (Jiang et al. 2015. PubMed ID: 25839327).This variant is reported in 0.0031% of alleles in individuals of European (Non-Finnish) descent in gnomAD. At this time, the clinical significance of this variant is uncertain due to the absence of conclusive functional and genetic evidence.